The following is an entry in ClinVar:

NM_001267550.2(TTN):c.69145A>G (p.Ile23049Val)

Genes: TTN (titin; minus strand), TTN-AS1 (TTN antisense RNA 1; plus strand). Cytogenetic location: 2q31.2.
Variant type: single nucleotide variant.
Coding change: c.69145A>G on transcript NM_001267550.2 (MANE Select); coding-DNA position 69145, A replaced by G.
Protein change: p.Ile23049Val; replaces isoleucine 23049 with valine.
Molecular consequence: missense variant.
Genome position (GRCh38, 1-based): chr2:178,577,190, T>C on the plus strand (A>G on the coding strand, the complement: TTN is on the minus strand). VCF-style: chr2-178577190-T-C. GRCh37 (hg19) VCF-style: chr2-179441917-T-C.
Other names: p.I20481V:ATC>GTC; c.64222A>G, p.Ile21408Val (NM_001256850.1); c.41950A>G, p.Ile13984Val (NM_003319.4); c.61441A>G, p.Ile20481Val (NM_133378.4); c.42325A>G, p.Ile14109Val (NM_133432.3); c.42526A>G, p.Ile14176Val (NM_133437.4); short protein forms I23049V, I20481V, I21408V, I14176V, I14109V, I13984V.
Identifiers: ClinVar variation 47271 (VCV000047271.40), dbSNP rs72646881, ClinGen allele CA283666.

ClinVar aggregate classification (germline): Benign/Likely benign. Review status: criteria provided, multiple submitters, no conflicts (2 of 4 stars). 24 submissions from 17 submitters: Benign (19); Likely benign (2). 3 of the submissions do not count toward it. Last evaluated 2026-02-03.

Conditions:
Cardiovascular phenotype. Identifiers: MedGen CN230736.
Dilated cardiomyopathy 1G (CMD1G). Identifiers: Orphanet 154, MedGen C1858763, MONDO:0011400, OMIM 604145.
Autosomal recessive limb-girdle muscular dystrophy type 2J (LGMDR10). Also called: MUSCULAR DYSTROPHY, LIMB-GIRDLE, AUTOSOMAL RECESSIVE 10; Limb-girdle muscular dystrophy, type 2J. Identifiers: Orphanet 140922, MedGen C1837342, MONDO:0012127, OMIM 608807.
Cardiomyopathy (CMYO). Also called: Cardiomyopathies. Identifiers: Orphanet 167848, MedGen C0878544, MONDO:0004994, HP:0001638. Inheritance: Various modes of inheritance.
Early-onset myopathy with fatal cardiomyopathy (CMYO5). Also called: CONGENITAL MYOPATHY 5 WITH CARDIOMYOPATHY; Salih Myopathy. Identifiers: Orphanet 289377, MedGen C2673677, MONDO:0012714, OMIM 611705. Disease mechanism: loss of function.
Myopathy, myofibrillar, 9, with early respiratory failure (MFM9). Also called: Myopathy, distal, with early respiratory failure, autosomal dominant; Hereditary myopathy with early respiratory failure; MYOPATHY, PROXIMAL, WITH EARLY RESPIRATORY MUSCLE INVOLVEMENT; EDSTROM MYOPATHY. Identifiers: Orphanet 178464, Orphanet 34521, MedGen C1863599, MONDO:0011362, OMIM 603689.
Tibial muscular dystrophy (TMD). Also called: Udd Distal Myopathy – Tibial Muscular Dystrophy; Tibial muscular dystrophy, tardive; UDD MYOPATHY. Identifiers: Orphanet 609, MedGen C1838244, MONDO:0010870, OMIM 600334.

Allele frequency attached by ClinVar (database versions not stated): ExAC 0.01078; gnomAD 0.03321 and 0.03550; ESP Exome Variant Server 0.03368; 1000 Genomes Project 0.03634; TOPMed 0.03789; gnomAD exomes 0.00867 and 0.00364; 1000 Genomes Project 30x 0.03857.

Submissions (31):

Labcorp Genetics (formerly Invitae), Labcorp
Classification: Benign for Dilated cardiomyopathy 1G; Autosomal recessive limb-girdle muscular dystrophy type 2J. Last evaluated: 2026-02-03. Review status: criteria provided, single submitter. Criteria: Invitae Variant Classification Sherloc (09022015). Collection method: clinical testing. Allele origin: germline.

Molecular Diagnostic Laboratory for Inherited Cardiovascular Disease, Montreal Heart Institute
Classification: Benign. Last evaluated: 2025-04-09. Review status: criteria provided, single submitter. Criteria: ACMG Guidelines, 2015. Collection method: clinical testing. Allele origin: germline. Affected: no.

Athena Diagnostics
Classification: Benign. Last evaluated: 2023-10-17. Review status: criteria provided, single submitter. Criteria: Athena Diagnostics Criteria. Collection method: clinical testing. Allele origin: unknown.

CHEO Genetics Diagnostic Laboratory, Children's Hospital of Eastern Ontario
Classification: Benign for Cardiomyopathy. Last evaluated: 2023-05-16. Review status: criteria provided, single submitter. Criteria: ACMG Guidelines, 2015. Collection method: clinical testing. Allele origin: germline.

Genetic Services Laboratory, University of Chicago
Classification: Benign. Last evaluated: 2022-01-07. Review status: criteria provided, single submitter. Criteria: ACMG Guidelines, 2015. Collection method: clinical testing. Allele origin: germline. Affected: no.

Genome-Nilou Lab
Classification: Benign for Autosomal recessive limb-girdle muscular dystrophy type 2J. Last evaluated: 2021-09-10. Review status: criteria provided, single submitter. Criteria: ACMG Guidelines, 2015. Collection method: clinical testing. Allele origin: germline. Affected: no.

Genome-Nilou Lab
Classification: Benign for Myopathy, myofibrillar, 9, with early respiratory failure. Last evaluated: 2021-09-10. Review status: criteria provided, single submitter. Criteria: ACMG Guidelines, 2015. Collection method: clinical testing. Allele origin: germline. Affected: no.

Genome-Nilou Lab
Classification: Benign for Early-onset myopathy with fatal cardiomyopathy. Last evaluated: 2021-09-10. Review status: criteria provided, single submitter. Criteria: ACMG Guidelines, 2015. Collection method: clinical testing. Allele origin: germline. Affected: no.

Genome-Nilou Lab
Classification: Benign for Tibial muscular dystrophy. Last evaluated: 2021-09-10. Review status: criteria provided, single submitter. Criteria: ACMG Guidelines, 2015. Collection method: clinical testing. Allele origin: germline. Affected: no.

Women's Health and Genetics/Laboratory Corporation of America, LabCorp
Classification: Likely benign. Last evaluated: 2020-10-19. Review status: criteria provided, single submitter. Criteria: LabCorp Variant Classification Summary - May 2015. Collection method: clinical testing. Allele origin: germline.

Mayo Clinic Laboratories, Mayo Clinic
Classification: Benign. Last evaluated: 2018-05-23. Review status: criteria provided, single submitter. Criteria: ACMG Guidelines, 2015. Collection method: clinical testing. Allele origin: germline. Observed: 68 variant alleles.

Illumina Laboratory Services, Illumina
Classification: Benign for Early-onset myopathy with fatal cardiomyopathy. Last evaluated: 2018-01-13. Review status: criteria provided, single submitter. Criteria: ICSL Variant Classification Criteria 13 December 2019. Collection method: clinical testing. Allele origin: germline.
Comment: This variant was observed in the ICSL laboratory as part of a predisposition screen in an ostensibly healthy population. It had not been previously curated by ICSL or reported in the Human Gene Mutation Database (HGMD: prior to June 1st, 2018), and was therefore a candidate for classification through an automated scoring system. Utilizing variant allele frequency, disease prevalence and penetrance estimates, and inheritance mode, an automated score was calculated to assess if this variant is too frequent to cause the disease. Based on the score and internal cut-off values, a variant classified as benign is not then subjected to further curation. The score for this variant resulted in a classification of benign for this disease.

Illumina Laboratory Services, Illumina
Classification: Benign for Autosomal recessive limb-girdle muscular dystrophy type 2J. Last evaluated: 2018-01-13. Review status: criteria provided, single submitter. Criteria: ICSL Variant Classification Criteria 13 December 2019. Collection method: clinical testing. Allele origin: germline.
Comment: the same text as in the submission from Illumina Laboratory Services, Illumina above.

Illumina Laboratory Services, Illumina
Classification: Benign for Tibial muscular dystrophy. Last evaluated: 2018-01-13. Review status: criteria provided, single submitter. Criteria: ICSL Variant Classification Criteria 13 December 2019. Collection method: clinical testing. Allele origin: germline.
Comment: the same text as in the submission from Illumina Laboratory Services, Illumina above.

Illumina Laboratory Services, Illumina
Classification: Benign for Dilated cardiomyopathy 1G. Last evaluated: 2018-01-13. Review status: criteria provided, single submitter. Criteria: ICSL Variant Classification Criteria 13 December 2019. Collection method: clinical testing. Allele origin: germline.
Comment: the same text as in the submission from Illumina Laboratory Services, Illumina above.

Illumina Laboratory Services, Illumina
Classification: Benign for Myopathy, myofibrillar, 9, with early respiratory failure. Last evaluated: 2018-01-13. Review status: criteria provided, single submitter. Criteria: ICSL Variant Classification Criteria 13 December 2019. Collection method: clinical testing. Allele origin: germline.
Comment: the same text as in the submission from Illumina Laboratory Services, Illumina above.

GeneDx
Classification: Benign. Last evaluated: 2013-04-30. Review status: criteria provided, single submitter. Criteria: GeneDx Variant Classification (06012015). Collection method: clinical testing. Allele origin: germline. Affected: yes.
Comment: This variant is considered likely benign or benign based on one or more of the following criteria: it is a conservative change, it occurs at a poorly conserved position in the protein, it is predicted to be benign by multiple in silico algorithms, and/or has population frequency not consistent with disease.

Ambry Genetics
Classification: Benign for Cardiovascular phenotype. Last evaluated: 2012-12-14. Review status: criteria provided, single submitter. Criteria: Ambry Autosomal Dominant and X-Linked criteria (10/2015). Collection method: clinical testing. Allele origin: germline. Observed: 1 variant allele.

Laboratory for Molecular Medicine, Mass General Brigham Personalized Medicine
Classification: Benign. Last evaluated: 2012-04-24. Review status: criteria provided, single submitter. Criteria: LMM Criteria. Collection method: clinical testing. Allele origin: germline. Observed: 59 variant alleles.
Comment: Ile20481Val in exon 273 of TTN: This variant is not expected to have clinical si gnificance because it has been identified in 10.3% (329/3208) of African America n chromosomes from a broad population by the NHLBI Exome Sequencing Project.

Breakthrough Genomics
Classification: Likely benign. Review status: criteria provided, single submitter. Criteria: ACMG Guidelines, 2015. Collection method: not provided. Allele origin: germline. Inheritance: Autosomal recessive inheritance. Affected: yes.

PreventionGenetics, part of Exact Sciences
Classification: Benign. Review status: criteria provided, single submitter. Criteria: ACMG Guidelines, 2015. Collection method: clinical testing. Allele origin: germline.

Clinical Genetics DNA and cytogenetics Diagnostics Lab, Erasmus MC, Erasmus Medical Center
Classification: Benign. Review status: no assertion criteria provided. Collection method: clinical testing. Allele origin: germline. Affected: yes. Study: VKGL Data-share Consensus. Not counted in ClinVar's aggregate classification.

Clinical Genetics, Academic Medical Center
Classification: Benign. Review status: no assertion criteria provided. Collection method: clinical testing. Allele origin: germline. Affected: yes. Study: VKGL Data-share Consensus. Not counted in ClinVar's aggregate classification.

Dr. Peter K. Rogan Lab, Western University
No classification provided (evidence only). Condition: Clear cell carcinoma of kidney. Review status: no classification provided. Collection method: in vitro. Allele origin: not applicable. Functional consequence: retained intron. Not counted in ClinVar's aggregate classification.

Dr. Peter K. Rogan Lab, Western University
No classification provided (evidence only). Condition: Clear cell carcinoma of kidney. Review status: no classification provided. Collection method: in vitro. Allele origin: not applicable. Functional consequence: retained intron. Not counted in ClinVar's aggregate classification.

Dr. Peter K. Rogan Lab, Western University
No classification provided (evidence only). Condition: Lung cancer. Review status: no classification provided. Collection method: in vitro. Allele origin: not applicable. Functional consequence: retained intron. Not counted in ClinVar's aggregate classification.

Dr. Peter K. Rogan Lab, Western University
No classification provided (evidence only). Condition: Acute myeloid leukemia. Review status: no classification provided. Collection method: in vitro. Allele origin: not applicable. Functional consequence: retained intron. Not counted in ClinVar's aggregate classification.

Dr. Peter K. Rogan Lab, Western University
No classification provided (evidence only). Condition: Thyroid cancer, nonmedullary, 1. Review status: no classification provided. Collection method: in vitro. Allele origin: not applicable. Functional consequence: retained intron. Not counted in ClinVar's aggregate classification.

Dr. Peter K. Rogan Lab, Western University
No classification provided (evidence only). Condition: Ovarian serous cystadenocarcinoma. Review status: no classification provided. Collection method: in vitro. Allele origin: not applicable. Functional consequence: retained intron. Not counted in ClinVar's aggregate classification.

Dr. Peter K. Rogan Lab, Western University
No classification provided (evidence only). Condition: Gastric cancer. Review status: no classification provided. Collection method: in vitro. Allele origin: not applicable. Functional consequence: retained intron. Not counted in ClinVar's aggregate classification.

Laboratory of Diagnostic Genome Analysis, Leiden University Medical Center (LUMC)
Classification: Likely benign. Review status: no assertion criteria provided. Collection method: clinical testing. Allele origin: germline. Affected: yes. Study: VKGL Data-share Consensus. Not counted in ClinVar's aggregate classification.

Literature cited by the submitters: PubMed 23861362 (cited by Athena Diagnostics).